The following is an entry in ClinVar:

ClinVar aggregate classification (germline): Benign. Review status: criteria provided, multiple submitters, no conflicts (2 of 4 stars). 3 submissions from 3 submitters: Benign (3). Last evaluated 2024-07-31.

Conditions:
Combined oxidative phosphorylation defect type 27. Also called: Combined oxidative phosphorylation deficiency 27. Identifiers: Orphanet 477774, MedGen C5567608, MONDO:0014728, OMIM 616672.

Submissions (3):

Unidad de Genómica Garrahan, Hospital de Pediatría Garrahan
Classification: Benign. Last evaluated: 2024-07-31. Review status: criteria provided, single submitter. Criteria: ACMG Guidelines, 2015. Collection method: clinical testing. Allele origin: germline. Affected: no. Observed: 92 variant alleles.
Comment: This variant is classified as Benign based on local population frequency. This variant was detected in 99% of patients studied in a panel designed for Epileptic and Developmental Encephalopathy, Progressive Myoclonus Epilepsy and Abnormal Movements and Neurodegeneration with brain iron accumulation. Number of patients: 92. Only high quality variants are reported.

Genome-Nilou Lab
Classification: Benign for Combined oxidative phosphorylation defect type 27. Last evaluated: 2021-07-14. Review status: criteria provided, single submitter. Criteria: ACMG Guidelines, 2015. Collection method: clinical testing. Allele origin: germline. Affected: no.

GeneDx
Classification: Benign. Last evaluated: 2018-06-23. Review status: criteria provided, single submitter. Criteria: GeneDx Variant Classification Process June 2021. Collection method: clinical testing. Allele origin: germline. Affected: yes.

NM_024537.4(CARS2):c.1417-57dup

Gene: CARS2 (cysteinyl-tRNA synthetase 2, mitochondrial; minus strand). Cytogenetic location: 13q34.
Variant type: Duplication.
Coding change: c.1417-57dup on transcript NM_024537.4 (MANE Select); 57 bases into the intron before coding-DNA position 1417, one base duplicated (G; older notation c.1417-57dupG).
Molecular consequence: intron variant.
Genome position (GRCh38, 1-based): chr13:110,642,574, C duplicated on the plus strand (G on the coding strand, the reverse complement: CARS2 is on the minus strand); the first of 5 consecutive C bases (chr13:110,642,574-110,642,578); duplicating any one gives the same sequence. VCF-style (leftmost placement, unchanged base first): chr13-110642573-G-GC. GRCh37 (hg19) VCF-style: chr13-111294920-G-GC.
Other names: c.631-57dup (NM_001352252.2); c.1417-53_1417-52insG (NM_024537.4).
Identifiers: ClinVar variation 1192539 (VCV001192539.6), dbSNP rs11414164, ClinGen allele CA7051688.